The following is an entry in ClinVar:

NM_014956.5(CEP164):c.2451A>C (p.Arg817Ser)

Gene: CEP164 (centrosomal protein 164; plus strand). Cytogenetic location: 11q23.3.
Variant type: single nucleotide variant.
Coding change: c.2451A>C on transcript NM_014956.5 (MANE Select); coding-DNA position 2451, A replaced by C.
Protein change: p.Arg817Ser; replaces arginine 817 with serine.
Molecular consequence: missense variant.
Genome position (GRCh38, 1-based): chr11:117,392,585, A>C. VCF-style: chr11-117392585-A-C. GRCh37 (hg19) VCF-style: chr11-117263301-A-C.
Other names: c.2460A>C, p.Arg820Ser (NM_001271933.2); short protein forms R817S, R820S.
Identifiers: ClinVar variation 2087874 (VCV002087874.2), dbSNP rs1258333617, ClinGen allele CA382725948.

ClinVar aggregate classification (germline): Uncertain significance (1 of 4 stars; one submission).

Conditions:
Nephronophthisis 15 (NPHP15). Identifiers: Orphanet 3156, MedGen C3541853, MONDO:0013917, OMIM 614845.

gnomAD v4.1: 1 of 1,614,182 alleles (0.000062%); highest among the groups gnomAD compares: Admixed American, 0.0017%; no homozygotes.

Submission:

Labcorp Genetics (formerly Invitae), Labcorp
Classification: Uncertain significance for Nephronophthisis 15. Last evaluated: 2025-10-01. Review status: criteria provided, single submitter. Criteria: Invitae Variant Classification Sherloc (09022015). Collection method: clinical testing. Allele origin: germline.
Comment: This sequence change replaces arginine, which is basic and polar, with serine, which is neutral and polar, at codon 817 of the CEP164 protein (p.Arg817Ser). This variant is present in population databases (no rsID available, gnomAD 0.003%). This variant has not been reported in the literature in individuals affected with CEP164-related conditions. ClinVar contains an entry for this variant (Variation ID: 2087874). Invitae Evidence Modeling of protein sequence and biophysical properties (such as structural, functional, and spatial information, amino acid conservation, physicochemical variation, residue mobility, and thermodynamic stability) has been performed for this missense variant. However, the output from this modeling did not meet the statistical confidence thresholds required to predict the impact of this variant on CEP164 protein function. In summary, the available evidence is currently insufficient to determine the role of this variant in disease. Therefore, it has been classified as a Variant of Uncertain Significance.